The following is an entry in ClinVar:

NM_021939.4(FKBP10):c.245+8C>T

Gene: FKBP10 (FKBP prolyl isomerase 10; plus strand). Cytogenetic location: 17q21.2.
Variant type: single nucleotide variant.
Coding change: c.245+8C>T on transcript NM_021939.4 (MANE Select); 8 bases into the intron after coding-DNA position 245, C replaced by T.
Molecular consequence: intron variant.
Genome position (GRCh38, 1-based): chr17:41,813,287, C>T. VCF-style: chr17-41813287-C-T. GRCh37 (hg19) VCF-style: chr17-39969539-C-T.
Identifiers: ClinVar variation 2428408 (VCV002428408.8), dbSNP rs201543846, ClinGen allele CA8566144.

ClinVar aggregate classification (germline): Likely benign. Review status: criteria provided, multiple submitters, no conflicts (2 of 4 stars). 2 submissions from 2 submitters: Likely benign (2). Last evaluated 2024-03-08.

Allele frequency attached by ClinVar (database versions not stated): TOPMed 0.00006; gnomAD exomes 0.00008; ESP Exome Variant Server 0.00015.

Submissions (2):

Women's Health and Genetics/Laboratory Corporation of America, LabCorp
Classification: Likely benign. Last evaluated: 2024-03-08. Review status: criteria provided, single submitter. Criteria: LabCorp Variant Classification Summary - May 2015. Collection method: clinical testing. Allele origin: germline.
Comment: Variant summary: FKBP10 c.245+8C>T alters a non-conserved nucleotide located close to a canonical splice site and therefore could affect mRNA splicing, leading to a significantly altered protein sequence. Consensus agreement among computation tools predict no significant impact on normal splicing. However, these predictions have yet to be confirmed by functional studies. The variant allele was found at a frequency of 5.2e-05 in 250710 control chromosomes. This frequency is not significantly higher than estimated for a pathogenic variant in FKBP10 causing Osteogenesis Imperfecta (5.2e-05 vs 0.0011), allowing no conclusion about variant significance. To our knowledge, no occurrence of c.245+8C>T in individuals affected with Osteogenesis Imperfecta and no experimental evidence demonstrating its impact on protein function have been reported. ClinVar contains an entry for this variant (Variation ID: 2428408). Based on the evidence outlined above, the variant was classified as likely benign.

Labcorp Genetics (formerly Invitae), Labcorp
Classification: Likely benign. Last evaluated: 2024-02-20. Review status: criteria provided, single submitter. Criteria: Invitae Variant Classification Sherloc (09022015). Collection method: clinical testing. Allele origin: germline.